The following is an entry in ClinVar:

NM_018139.3(DNAAF2):c.476dup (p.Phe160fs)

Gene: DNAAF2 (dynein axonemal assembly factor 2; minus strand). Cytogenetic location: 14q21.3.
Variant type: Duplication.
Coding change: c.476dup on transcript NM_018139.3 (MANE Select); coding-DNA position 476, one base duplicated (G; older notation c.476dupG).
Protein change: p.Phe160fs; shifts the reading frame from phenylalanine 160.
Molecular consequence: frameshift variant.
Genome position (GRCh38, 1-based): chr14:49,634,674, C duplicated on the plus strand (G on the coding strand, the reverse complement: DNAAF2 is on the minus strand); the first of 3 consecutive C bases (chr14:49,634,674-49,634,676); duplicating any one gives the same sequence. VCF-style (leftmost placement, unchanged base first): chr14-49634673-G-GC. GRCh37 (hg19) VCF-style: chr14-50101391-G-GC.
Other names: c.476dup, p.Phe160fs (NM_001083908.2); short protein forms F160fs.
Identifiers: ClinVar variation 1322750 (VCV001322750.7), dbSNP rs767450283, ClinGen allele CA7173102.

ClinVar aggregate classification (germline): Pathogenic. Review status: criteria provided, multiple submitters, no conflicts (2 of 4 stars). 2 submissions from 2 submitters: Pathogenic (2). Last evaluated 2023-10-24.

Conditions:
Primary ciliary dyskinesia. Also called: Ciliary dyskinesia. Identifiers: Orphanet 244, MedGen C0008780, MONDO:0016575, HP:0012265.
Primary ciliary dyskinesia 10. Also called: CILIARY DYSKINESIA, PRIMARY, 10, WITH OR WITHOUT SITUS INVERSUS. Identifiers: Orphanet 244, MedGen C2675867, MONDO:0012918, OMIM 612518.

Submissions (2):

Labcorp Genetics (formerly Invitae), Labcorp
Classification: Pathogenic for Primary ciliary dyskinesia. Last evaluated: 2023-10-24. Review status: criteria provided, single submitter. Criteria: Invitae Variant Classification Sherloc (09022015). Collection method: clinical testing. Allele origin: germline.
Comment: This sequence change creates a premature translational stop signal (p.Phe160Leufs*34) in the DNAAF2 gene. It is expected to result in an absent or disrupted protein product. Loss-of-function variants in DNAAF2 are known to be pathogenic (PMID: 19052621, 24498942). This variant is present in population databases (rs767450283, gnomAD 0.003%). This variant has not been reported in the literature in individuals affected with DNAAF2-related conditions. ClinVar contains an entry for this variant (Variation ID: 1322750). For these reasons, this variant has been classified as Pathogenic.

Revvity Omics, Revvity
Classification: Pathogenic for Primary ciliary dyskinesia 10. Last evaluated: 2020-08-28. Review status: criteria provided, single submitter. Criteria: ACMG Guidelines, 2015. Collection method: clinical testing. Allele origin: germline.

Literature cited by the submitters: PubMed 19052621 (cited by Labcorp Genetics (formerly Invitae), Labcorp); PubMed 24498942 (cited by Labcorp Genetics (formerly Invitae), Labcorp).